The following is an entry in ClinVar:

ClinVar aggregate classification (germline): Likely benign. Review status: criteria provided, multiple submitters, no conflicts (2 of 4 stars). 2 submissions from 2 submitters: Likely benign (2). Last evaluated 2025-12-15.

Conditions:
Charcot-Marie-Tooth disease dominant intermediate B (CMTDIB). Also called: CHARCOT-MARIE-TOOTH NEUROPATHY, DOMINANT INTERMEDIATE B; Charcot-Marie-Tooth disease dominant intermediate 1; CMT DI1; Charcot-Marie-Tooth disease dominant intermediate I. Identifiers: Orphanet 100044, Orphanet 228179, MedGen C1847902, MONDO:0011674, OMIM 606482.

Allele frequency attached by ClinVar (database versions not stated): TOPMed 0.00003; ExAC 0.00004; gnomAD 0.00004 and 0.00005; gnomAD exomes 0.00006 and 0.00008; 1000 Genomes Project 30x 0.00016; 1000 Genomes Project 0.00020.
gnomAD v4.1: 125 of 1,613,992 alleles (0.0077%); highest among the groups gnomAD compares: Middle Eastern, 0.082%; no homozygotes.

Submissions (2):

Labcorp Genetics (formerly Invitae), Labcorp
Classification: Likely benign for Charcot-Marie-Tooth disease dominant intermediate B. Last evaluated: 2025-12-15. Review status: criteria provided, single submitter. Criteria: Invitae Variant Classification Sherloc (09022015). Collection method: clinical testing. Allele origin: germline.

GeneDx
Classification: Likely benign. Last evaluated: 2017-09-11. Review status: criteria provided, single submitter. Criteria: GeneDx Variant Classification (06012015). Collection method: clinical testing. Allele origin: germline. Affected: yes.
Comment: This variant is considered likely benign or benign based on one or more of the following criteria: it is a conservative change, it occurs at a poorly conserved position in the protein, it is predicted to be benign by multiple in silico algorithms, and/or has population frequency not consistent with disease.

NM_001005361.3(DNM2):c.162-16T>C

Gene: DNM2 (dynamin 2; plus strand). Cytogenetic location: 19p13.2.
Variant type: single nucleotide variant.
Coding change: c.162-16T>C on transcript NM_001005361.3 (MANE Select); 16 bases into the intron before coding-DNA position 162, T replaced by C.
Molecular consequence: intron variant.
Genome position (GRCh38, 1-based): chr19:10,759,722, T>C. VCF-style: chr19-10759722-T-C. GRCh37 (hg19) VCF-style: chr19-10870398-T-C.
Other names: c.162-16T>C (NM_001005360.3, NM_001190716.2, NM_004945.4 and 1 more transcripts).
Identifiers: ClinVar variation 511947 (VCV000511947.9), dbSNP rs573469750, ClinGen allele CA9200710.